The following is an entry in ClinVar:

ClinVar aggregate classification (germline): Uncertain significance. Review status: criteria provided, multiple submitters, no conflicts (2 of 4 stars). 8 submissions from 8 submitters: Uncertain significance (8). Last evaluated 2026-05-18.

Conditions:
Ehlers-Danlos syndrome (EDS). Identifiers: Orphanet 98249, MedGen C0013720, MONDO:0020066.
Vesicoureteral reflux 8 (VUR8). Identifiers: Orphanet 289365, MedGen C4014831, MONDO:0014422, OMIM 615963.
Ehlers-Danlos syndrome due to tenascin-X deficiency (EDSCLL1). Also called: TNXB-Related Classical-Like Ehlers-Danlos Syndrome; TNX DEFICIENCY; EDS DUE TO TNX DEFICIENCY; EHLERS-DANLOS SYNDROME, CLASSIC-LIKE; Ehlers-Danlos syndrome, classic-like, 1. Identifiers: Orphanet 230839, MedGen C1848029, MONDO:0011670, OMIM 606408.
Cardiovascular phenotype. Identifiers: MedGen CN230736.

Allele frequency attached by ClinVar (database versions not stated): ESP Exome Variant Server 0.00008; gnomAD 0.00015.
gnomAD v4.1: 349 of 1,607,158 alleles (0.022%); highest among the groups gnomAD compares: Non-Finnish European, 0.026%; no homozygotes.

Submissions (8):

Women's Health and Genetics/Laboratory Corporation of America, LabCorp
Classification: Uncertain significance. Last evaluated: 2026-05-18. Review status: criteria provided, single submitter. Criteria: LabCorp Variant Classification Summary - May 2015. Collection method: clinical testing. Allele origin: germline.
Comment: Variant summary: TNXB c.209A>G (p.Gln70Arg) results in a conservative amino acid change in the encoded protein sequence. Algorithms developed to predict the effect of missense changes on protein structure and function are either unavailable or do not agree on the potential impact of this missense change. The variant allele was found at a frequency of 0.0001 in 248950 control chromosomes. This frequency is not significantly higher than estimated for disease-causing variants in TNXB, allowing no conclusion about variant significance. To our knowledge, no occurrence of c.209A>G in individuals affected with TNXB-related conditions and no experimental evidence demonstrating its impact on protein function have been reported. ClinVar contains an entry for this variant (Variation ID: 1320648). Based on the evidence outlined above, the variant was classified as uncertain significance.

CeGaT Center for Human Genetics Tuebingen
Classification: Uncertain significance. Last evaluated: 2025-04-01. Review status: criteria provided, single submitter. Criteria: CeGaT Center For Human Genetics Tuebingen Variant Classification Criteria Version 2. Collection method: clinical testing. Allele origin: germline. Affected: yes. Observed: 1 variant allele.

Ambry Genetics
Classification: Uncertain significance for Cardiovascular phenotype. Last evaluated: 2024-05-23. Review status: criteria provided, single submitter. Criteria: Ambry Variant Classification Scheme 2023. Collection method: clinical testing. Allele origin: germline.
Comment: The p.Q70R variant (also known as c.209A>G), located in coding exon 1 of the TNXB gene, results from an A to G substitution at nucleotide position 209. The glutamine at codon 70 is replaced by arginine, an amino acid with highly similar properties. This amino acid position is conserved. In addition, the in silico prediction for this alteration is inconclusive. Since supporting evidence is limited at this time, the clinical significance of this alteration remains unclear.

Mayo Clinic Laboratories, Mayo Clinic
Classification: Uncertain significance. Last evaluated: 2024-05-20. Review status: criteria provided, single submitter. Criteria: ACMG Guidelines, 2015. Collection method: clinical testing. Allele origin: germline. Observed: 1 variant allele.

GeneDx
Classification: Uncertain significance. Last evaluated: 2022-12-02. Review status: criteria provided, single submitter. Criteria: GeneDx Variant Classification Process June 2021. Collection method: clinical testing. Allele origin: germline. Affected: yes.
Comment: Has not been previously published as pathogenic or benign to our knowledge; In silico analysis supports that this missense variant has a deleterious effect on protein structure/function

Fulgent Genetics
Classification: Uncertain significance for Ehlers-Danlos syndrome due to tenascin-X deficiency; Vesicoureteral reflux 8. Last evaluated: 2021-12-09. Review status: criteria provided, single submitter. Criteria: ACMG Guidelines, 2015. Collection method: clinical testing. Allele origin: unknown.

Department of Pathology and Laboratory Medicine, Sinai Health System
Classification: Uncertain significance for Ehlers-Danlos syndrome due to tenascin-X deficiency; Vesicoureteral reflux 8. Last evaluated: 2021-07-30. Review status: criteria provided, single submitter. Criteria: ACMG Guidelines, 2015. Collection method: research. Allele origin: germline.

Genome Diagnostics Laboratory, The Hospital for Sick Children
Classification: Uncertain significance for Ehlers-Danlos syndrome. Last evaluated: 2020-06-01. Review status: criteria provided, single submitter. Criteria: ACMG Guidelines, 2015. Collection method: clinical testing. Allele origin: germline.

NM_001365276.2(TNXB):c.209A>G (p.Gln70Arg)

Gene: TNXB (tenascin XB; minus strand). Cytogenetic location: 6p21.33.
Variant type: single nucleotide variant.
Coding change: c.209A>G on transcript NM_001365276.2 (MANE Select); coding-DNA position 209, A replaced by G.
Protein change: p.Gln70Arg; replaces glutamine 70 with arginine.
Molecular consequence: missense variant.
Genome position (GRCh38, 1-based): chr6:32,097,990, T>C on the plus strand (A>G on the coding strand, the complement: TNXB is on the minus strand). VCF-style: chr6-32097990-T-C. GRCh37 (hg19) VCF-style: chr6-32065767-T-C.
Other names: p.Gln70Arg; c.209A>G, p.Gln70Arg (NM_019105.8); short protein forms Q70R.
Identifiers: ClinVar variation 1320648 (VCV001320648.21), dbSNP rs199581373, ClinGen allele CA3735889.